The following is an entry in ClinVar:

ClinVar aggregate classification (germline): Likely benign (0 of 4 stars; one submission).

Conditions:
ZMYM3-related disorder. Also called: ZMYM3-related condition.

Allele frequency attached by ClinVar (database versions not stated): gnomAD exomes below 0.00001; gnomAD 0.00002; TOPMed 0.00002; ExAC 0.00003.

Submission:

PreventionGenetics, part of Exact Sciences
Classification: Likely benign for ZMYM3-related condition. Last evaluated: 2019-06-04. Review status: no assertion criteria provided. Collection method: clinical testing. Allele origin: germline.
Comment: This variant is classified as likely benign based on ACMG/AMP sequence variant interpretation guidelines (Richards et al. 2015 PMID: 25741868, with internal and published modifications).

NM_201599.3(ZMYM3):c.177G>C (p.Leu59=)

Gene: ZMYM3 (zinc finger MYM-type containing 3; minus strand). Cytogenetic location: Xq13.1.
Variant type: single nucleotide variant.
Coding change: c.177G>C on transcript NM_201599.3 (MANE Select); coding-DNA position 177, G replaced by C.
Protein change: p.Leu59=; no amino-acid change (leucine 59 retained).
Molecular consequence: synonymous variant.
Genome position (GRCh38, 1-based): chrX:71,253,079, C>G on the plus strand (G>C on the coding strand, the complement: ZMYM3 is on the minus strand). VCF-style: chrX-71253079-C-G. GRCh37 (hg19) VCF-style: chrX-70472929-C-G.
Other names: c.177G>C, p.Leu59= (NM_001171162.1, NM_001171163.1, NM_005096.3).
Identifiers: ClinVar variation 3043657 (VCV003043657.2), dbSNP rs765146259, ClinGen allele CA10445995.